The following is an entry in ClinVar:

ClinVar aggregate classification (germline): Benign. Review status: criteria provided, single submitter (1 of 4 stars). 2 submissions from 2 submitters: Benign (1). 1 of the submissions does not count toward it. Last evaluated 2025-09-23.

Conditions:
P4HB-related disorder. Also called: P4HB-related condition.

Allele frequency attached by ClinVar (database versions not stated): gnomAD 0.00014 and 0.00021; gnomAD exomes 0.00018 and 0.00051; TOPMed 0.00025; ExAC 0.00049; 1000 Genomes Project 0.00060; 1000 Genomes Project 30x 0.00062.
gnomAD v4.1: 307 of 1,613,870 alleles (0.019%); highest among the groups gnomAD compares: East Asian, 0.53%; 2 homozygotes.

Submissions (2):

Labcorp Genetics (formerly Invitae), Labcorp
Classification: Benign. Last evaluated: 2025-09-23. Review status: criteria provided, single submitter. Criteria: Invitae Variant Classification Sherloc (09022015). Collection method: clinical testing. Allele origin: germline.

PreventionGenetics, part of Exact Sciences
Classification: Likely benign for P4HB-related condition. Last evaluated: 2019-02-22. Review status: no assertion criteria provided. Collection method: clinical testing. Allele origin: germline. Not counted in ClinVar's aggregate classification.
Comment: This variant is classified as likely benign based on ACMG/AMP sequence variant interpretation guidelines (Richards et al. 2015 PMID: 25741868, with internal and published modifications).

NM_000918.4(P4HB):c.1497T>C (p.Asp499=)

Gene: P4HB (prolyl 4-hydroxylase subunit beta; minus strand). Cytogenetic location: 17q25.3.
Variant type: single nucleotide variant.
Coding change: c.1497T>C on transcript NM_000918.4 (MANE Select); coding-DNA position 1497, T replaced by C.
Protein change: p.Asp499=; no amino-acid change (aspartic acid 499 retained).
Molecular consequence: synonymous variant.
Genome position (GRCh38, 1-based): chr17:81,844,042, A>G on the plus strand (T>C on the coding strand, the complement: P4HB is on the minus strand). VCF-style: chr17-81844042-A-G. GRCh37 (hg19) VCF-style: chr17-79801918-A-G.
Identifiers: ClinVar variation 708233 (VCV000708233.12), dbSNP rs201831951, ClinGen allele CA8842568.
Genomic context (GRCh38, chr17:81,844,042, plus strand): 5'-CTCGGCAGCGCCCGGGTCTGGCTTTGCGTATTACAGTTCATCTTTCACAGCTTTCTGATC[A>G]TCGTCTTCCTCCATGTCTGGCTCCTCTGCTTCTTCCAGGTCCTCGAGATCCTGGGATACA-3'
Protein context (NP_000909.2, residues 489-508): EAEEPDMEED[Asp499=]DQKAVKDEL